The following is an entry in ClinVar:

NM_006118.4(HAX1):c.67T>G (p.Phe23Val)

Gene: HAX1 (HCLS1 associated protein X-1; plus strand). Cytogenetic location: 1q21.3.
Variant type: single nucleotide variant.
Coding change: c.67T>G on transcript NM_006118.4 (MANE Select); coding-DNA position 67, T replaced by G.
Protein change: p.Phe23Val; replaces phenylalanine 23 with valine.
Molecular consequence: missense variant. On other transcripts: intron variant (1).
Genome position (GRCh38, 1-based): chr1:154,273,349, T>G. VCF-style: chr1-154273349-T-G. GRCh37 (hg19) VCF-style: chr1-154245825-T-G.
Other names: c.54-131T>G (NM_001018837.2); short protein forms F23V.
Identifiers: ClinVar variation 4739177 (VCV004739177.1).

ClinVar aggregate classification (germline): Uncertain significance (1 of 4 stars; one submission).

Conditions:
Kostmann syndrome (SCN3). Also called: KOSTMANN DISEASE; Autosomal recessive severe congenital neutropenia type 3. Identifiers: Orphanet 99749, MedGen C5235141, MONDO:0012548, OMIM 610738.

Submission:

Labcorp Genetics (formerly Invitae), Labcorp
Classification: Uncertain significance for Kostmann syndrome. Last evaluated: 2025-07-23. Review status: criteria provided, single submitter. Criteria: Invitae Variant Classification Sherloc (09022015). Collection method: clinical testing. Allele origin: germline.
Comment: This sequence change replaces phenylalanine, which is neutral and non-polar, with valine, which is neutral and non-polar, at codon 23 of the HAX1 protein (p.Phe23Val). This variant is not present in population databases (gnomAD no frequency). This variant has not been reported in the literature in individuals affected with HAX1-related conditions. Invitae Evidence Modeling of protein sequence and biophysical properties (such as structural, functional, and spatial information, amino acid conservation, physicochemical variation, residue mobility, and thermodynamic stability) indicates that this missense variant is not expected to disrupt HAX1 protein function with a negative predictive value of 80%. In summary, the available evidence is currently insufficient to determine the role of this variant in disease. Therefore, it has been classified as a Variant of Uncertain Significance.